The following is an entry in ClinVar:

ClinVar aggregate classification (germline): Uncertain significance. Review status: criteria provided, multiple submitters, no conflicts (2 of 4 stars). 2 submissions from 2 submitters: Uncertain significance (2). Last evaluated 2022-06-17.

Conditions:
Hereditary cancer-predisposing syndrome. Also called: Neoplastic Syndromes, Hereditary; Hereditary Cancer Syndrome; Hereditary neoplastic syndrome; Tumor predisposition. Identifiers: Orphanet 140162, MedGen C0027672, MeSH D009386, MONDO:0015356.
Gorlin syndrome. Also called: Nevoid Basal Cell Carcinoma Syndrome; Basal cell nevus syndrome. Identifiers: Orphanet 377, MedGen C0004779, MONDO:0007187.

Allele frequency attached by ClinVar (database versions not stated): gnomAD exomes below 0.00001.
gnomAD v4.1: 1 of 1,575,272 alleles (0.000063%); highest among the groups gnomAD compares: Non-Finnish European, 0.000086%; no homozygotes.

Submissions (2):

Labcorp Genetics (formerly Invitae), Labcorp
Classification: Uncertain significance for Gorlin syndrome. Last evaluated: 2022-06-17. Review status: criteria provided, single submitter. Criteria: Invitae Variant Classification Sherloc (09022015). Collection method: clinical testing. Allele origin: germline.
Comment: In summary, the available evidence is currently insufficient to determine the role of this variant in disease. Therefore, it has been classified as a Variant of Uncertain Significance. This sequence change replaces arginine, which is basic and polar, with glycine, which is neutral and non-polar, at codon 32 of the PTCH1 protein (p.Arg32Gly). This variant is not present in population databases (gnomAD no frequency). This variant has not been reported in the literature in individuals affected with PTCH1-related conditions. ClinVar contains an entry for this variant (Variation ID: 854410). Advanced modeling of protein sequence and biophysical properties (such as structural, functional, and spatial information, amino acid conservation, physicochemical variation, residue mobility, and thermodynamic stability) performed at Invitae indicates that this missense variant is not expected to disrupt PTCH1 protein function.

Ambry Genetics
Classification: Uncertain significance for Hereditary cancer-predisposing syndrome. Last evaluated: 2022-05-02. Review status: criteria provided, single submitter. Criteria: Ambry Variant Classification Scheme 2023. Collection method: clinical testing. Allele origin: germline.
Comment: The p.R32G variant (also known as c.94A>G), located in coding exon 1 of the PTCH1 gene, results from an A to G substitution at nucleotide position 94. The arginine at codon 32 is replaced by glycine, an amino acid with dissimilar properties. This amino acid position is conserved. In addition, this alteration is predicted to be tolerated by in silico analysis. Since supporting evidence is limited at this time, the clinical significance of this alteration remains unclear.

NM_000264.5(PTCH1):c.94A>G (p.Arg32Gly)

Genes: PTCH1 (patched 1; minus strand), LOC130002133 (ATAC-STARR-seq lymphoblastoid silent region 20071; plus strand). Cytogenetic location: 9q22.32.
Variant type: single nucleotide variant.
Coding change: c.94A>G on transcript NM_000264.5 (MANE Select); coding-DNA position 94, A replaced by G.
Protein change: p.Arg32Gly; replaces arginine 32 with glycine.
Molecular consequence: missense variant. On other transcripts: non-coding transcript variant (1), intron variant (3).
Genome position (GRCh38, 1-based): chr9:95,508,268, T>C on the plus strand (A>G on the coding strand, the complement: PTCH1 is on the minus strand). VCF-style: chr9-95508268-T-C. GRCh37 (hg19) VCF-style: chr9-98270550-T-C.
Other names: c.94A>G, p.Arg32Gly (NM_001354918.2); c.199-1669A>G (NM_001083603.3); c.4-1669A>G (NM_001083602.3, NM_001354919.2); short protein forms R32G.
Identifiers: ClinVar variation 854410 (VCV000854410.12), dbSNP rs913603578, ClinGen allele CA196555664.
Genomic context (GRCh38, chr9:95,508,268, plus strand): 5'-GGTGCAGATAGTCCCGGTCCGGCGCGGCAGCACGGCGCAGCCCCCCCGTCCGTCTGCGCC[T>C]CCCGCCTCCAGCCGGCCGTCCCGGGGCACCGATACAGCCGCTGCCGCCGCCGCCGCGGTC-3'
Protein context (NP_000255.2, residues 22-42): GAPGRPAGGG[Arg32Gly]RRRTGGLRRA